The following is an entry in ClinVar:

NM_145038.5(DRC1):c.446T>C (p.Ile149Thr)

Gene: DRC1 (dynein regulatory complex subunit 1; plus strand). Cytogenetic location: 2p23.3.
Variant type: single nucleotide variant.
Coding change: c.446T>C on transcript NM_145038.5 (MANE Select); coding-DNA position 446, T replaced by C.
Protein change: p.Ile149Thr; replaces isoleucine 149 with threonine.
Molecular consequence: missense variant.
Genome position (GRCh38, 1-based): chr2:26,424,360, T>C. VCF-style: chr2-26424360-T-C. GRCh37 (hg19) VCF-style: chr2-26647228-T-C.
Other names: short protein forms I149T.
Identifiers: ClinVar variation 3505171 (VCV003505171.3).

ClinVar aggregate classification (germline): Uncertain significance. Review status: criteria provided, multiple submitters, no conflicts (2 of 4 stars). 2 submissions from 2 submitters: Uncertain significance (2). Last evaluated 2024-08-01.

Conditions:
Primary ciliary dyskinesia. Also called: Ciliary dyskinesia. Identifiers: Orphanet 244, MedGen C0008780, MONDO:0016575, HP:0012265.
Inborn genetic diseases. Identifiers: MedGen C0950123, MeSH D030342.

gnomAD v4.1: 3 of 1,613,754 alleles (0.00019%); highest among the groups gnomAD compares: Non-Finnish European, 0.00017%; no homozygotes.

Submissions (2):

Ambry Genetics
Classification: Uncertain significance for Inborn genetic diseases. Last evaluated: 2024-08-01. Review status: criteria provided, single submitter. Criteria: Ambry Variant Classification Scheme 2023. Collection method: clinical testing. Allele origin: germline.

Labcorp Genetics (formerly Invitae), Labcorp
Classification: Uncertain significance for Primary ciliary dyskinesia. Last evaluated: 2024-03-21. Review status: criteria provided, single submitter. Criteria: Invitae Variant Classification Sherloc (09022015). Collection method: clinical testing. Allele origin: germline.
Comment: This sequence change replaces isoleucine, which is neutral and non-polar, with threonine, which is neutral and polar, at codon 149 of the DRC1 protein (p.Ile149Thr). This variant is present in population databases (rs370204252, gnomAD 0.003%). This variant has not been reported in the literature in individuals affected with DRC1-related conditions. An algorithm developed to predict the effect of missense changes on protein structure and function (PolyPhen-2) suggests that this variant is likely to be tolerated. In summary, the available evidence is currently insufficient to determine the role of this variant in disease. Therefore, it has been classified as a Variant of Uncertain Significance.